The following is an entry in ClinVar:

ClinVar aggregate classification (germline): Uncertain significance (1 of 4 stars; one submission).

Conditions:
Hereditary cancer-predisposing syndrome. Also called: Tumor predisposition; Hereditary Cancer Syndrome; Neoplastic Syndromes, Hereditary; Hereditary neoplastic syndrome. Identifiers: Orphanet 140162, MedGen C0027672, MeSH D009386, MONDO:0015356.

Submission:

Ambry Genetics
Classification: Uncertain significance for Hereditary cancer-predisposing syndrome. Last evaluated: 2022-10-20. Review status: criteria provided, single submitter. Criteria: Ambry Variant Classification Scheme 2023. Collection method: clinical testing. Allele origin: germline.
Comment: The p.G9E variant (also known as c.26G>A), located in coding exon 1 of the GREM1 gene, results from a G to A substitution at nucleotide position 26. The glycine at codon 9 is replaced by glutamic acid, an amino acid with similar properties. This amino acid position is conserved. In addition, this alteration is predicted to be tolerated by in silico analysis. Since supporting evidence is limited at this time, the clinical significance of this alteration remains unclear.

NM_013372.7(GREM1):c.26G>A (p.Gly9Glu)

Gene: GREM1 (gremlin 1, DAN family BMP antagonist; plus strand). Cytogenetic location: 15q13.3.
Variant type: single nucleotide variant.
Coding change: c.26G>A on transcript NM_013372.7 (MANE Select); coding-DNA position 26, G replaced by A.
Protein change: p.Gly9Glu; replaces glycine 9 with glutamic acid.
Molecular consequence: missense variant.
Genome position (GRCh38, 1-based): chr15:32,730,716, G>A. VCF-style: chr15-32730716-G-A. GRCh37 (hg19) VCF-style: chr15-33022917-G-A.
Other names: c.26G>A, p.Gly9Glu (NM_001191322.2, NM_001191323.2, NM_001368719.1); short protein forms G9E.
Identifiers: ClinVar variation 1794906 (VCV001794906.2), dbSNP rs2548707334, ClinGen allele CA391557031.